The following is an entry in ClinVar:

NM_000059.4(BRCA2):c.7529T>G (p.Leu2510Arg)

Gene: BRCA2 (BRCA2 DNA repair associated; plus strand). Cytogenetic location: 13q13.1.
Variant type: single nucleotide variant.
Coding change: c.7529T>G on transcript NM_000059.4 (MANE Select); coding-DNA position 7529, T replaced by G.
Protein change: p.Leu2510Arg; replaces leucine 2510 with arginine.
Molecular consequence: missense variant.
Genome position (GRCh38, 1-based): chr13:32,356,521, T>G. VCF-style: chr13-32356521-T-G. GRCh37 (hg19) VCF-style: chr13-32930658-T-G.
Other names: short protein forms L2510R.
Identifiers: ClinVar variation 966308 (VCV000966308.10), dbSNP rs80358979, ClinGen allele CA387743580.

ClinVar aggregate classification (germline): Uncertain significance (1 of 4 stars; one submission).

Conditions:
Hereditary breast ovarian cancer syndrome. Also called: Hereditary breast and ovarian cancer; Hereditary breast and/or ovarian cancer syndrome; Hereditary breast and ovarian cancer syndrome; Hereditary breast and ovarian cancer syndrome (HBOC); Breast and ovarian cancer; BRCA1- and BRCA2-Associated Hereditary Breast and Ovarian Cancer. Identifiers: Orphanet 145, MedGen C0677776, MeSH D061325, MONDO:0003582. Disease mechanism: loss of function.

Submission:

Labcorp Genetics (formerly Invitae), Labcorp
Classification: Uncertain significance for Hereditary breast ovarian cancer syndrome. Last evaluated: 2019-10-15. Review status: criteria provided, single submitter. Criteria: Invitae Variant Classification Sherloc (09022015). Collection method: clinical testing. Allele origin: germline.
Comment: This variant is not present in population databases (ExAC no frequency). In summary, the available evidence is currently insufficient to determine the role of this variant in disease. Therefore, it has been classified as a Variant of Uncertain Significance. This variant disrupts the p.Leu2510 amino acid residue in BRCA2. Other variant(s) that disrupt this residue have been determined to be pathogenic (PMID: 14670928, 21719596, 23108138). This suggests that this residue is clinically significant, and that variants that disrupt this residue are likely to be disease-causing. Algorithms developed to predict the effect of missense changes on protein structure and function (SIFT, PolyPhen-2, Align-GVGD) all suggest that this variant is likely to be disruptive, but these predictions have not been confirmed by published functional studies and their clinical significance is uncertain. This variant has not been reported in the literature in individuals with BRCA2-related conditions. This sequence change replaces leucine with arginine at codon 2510 of the BRCA2 protein (p.Leu2510Arg). The leucine residue is highly conserved and there is a moderate physicochemical difference between leucine and arginine.

Literature cited by the submitters: PubMed 14670928; PubMed 21719596; PubMed 23108138.